The following is an entry in ClinVar:

ClinVar aggregate classification (germline): Uncertain significance (1 of 4 stars; one submission).

Submission:

Labcorp Genetics (formerly Invitae), Labcorp
Classification: Uncertain significance. Last evaluated: 2023-11-10. Review status: criteria provided, single submitter. Criteria: Invitae Variant Classification Sherloc (09022015). Collection method: clinical testing. Allele origin: germline.
Comment: This sequence change replaces serine, which is neutral and polar, with asparagine, which is neutral and polar, at codon 952 of the GREB1L protein (p.Ser952Asn). This variant is not present in population databases (gnomAD no frequency). This variant has not been reported in the literature in individuals affected with GREB1L-related conditions. An algorithm developed to predict the effect of missense changes on protein structure and function (PolyPhen-2) suggests that this variant is likely to be tolerated. In summary, the available evidence is currently insufficient to determine the role of this variant in disease. Therefore, it has been classified as a Variant of Uncertain Significance.

NM_001142966.3(GREB1L):c.2855G>A (p.Ser952Asn)

Gene: GREB1L (GREB1 like retinoic acid receptor coactivator; plus strand). Cytogenetic location: 18q11.1.
Variant type: single nucleotide variant.
Coding change: c.2855G>A on transcript NM_001142966.3 (MANE Select); coding-DNA position 2855, G replaced by A.
Protein change: p.Ser952Asn; replaces serine 952 with asparagine.
Molecular consequence: missense variant.
Genome position (GRCh38, 1-based): chr18:21,490,176, G>A. VCF-style: chr18-21490176-G-A. GRCh37 (hg19) VCF-style: chr18-19070137-G-A.
Other names: c.2984G>A, p.Ser995Asn (NM_001410867.1); c.2528G>A, p.Ser843Asn (NM_001410868.1); short protein forms S843N, S952N, S995N.
Identifiers: ClinVar variation 2879847 (VCV002879847.3), dbSNP rs2511781329, ClinGen allele CA401744433.